The following is an entry in ClinVar:

ClinVar aggregate classification (germline): Uncertain significance. Review status: criteria provided, multiple submitters, no conflicts (2 of 4 stars). 2 submissions from 2 submitters: Uncertain significance (2). Last evaluated 2025-09-23.

Conditions:
Hereditary cancer-predisposing syndrome. Also called: Hereditary Cancer Syndrome; Hereditary neoplastic syndrome; Neoplastic Syndromes, Hereditary; Tumor predisposition. Identifiers: Orphanet 140162, MedGen C0027672, MeSH D009386, MONDO:0015356.

Submissions (2):

Color Diagnostics, LLC DBA Color Health
Classification: Uncertain significance for Hereditary cancer-predisposing syndrome. Last evaluated: 2025-09-23. Review status: criteria provided, single submitter. Criteria: ACMG Guidelines, 2015. Collection method: clinical testing. Allele origin: germline.
Comment: This missense variant replaces isoleucine with serine at codon 1401 of the APC protein. Computational prediction is inconclusive regarding the impact of this variant on protein structure and function. APC is defined as a gene for which primarily truncating variants are known to cause disease (ClinGen HCCP VCEP). To our knowledge, functional studies have not been reported for this variant. This variant has not been reported in individuals affected with APC-related disorders in the literature. This variant has not been identified in the general population by the Genome Aggregation Database (gnomAD). The available evidence is insufficient to determine the role of this variant in disease conclusively. Therefore, this variant is classified as a Variant of Uncertain Significance.

Ambry Genetics
Classification: Uncertain significance for Hereditary cancer-predisposing syndrome. Last evaluated: 2020-09-10. Review status: criteria provided, single submitter. Criteria: Ambry Variant Classification Scheme 2023. Collection method: clinical testing. Allele origin: germline.
Comment: The p.I1401S variant (also known as c.4202T>G), located in coding exon 15 of the APC gene, results from a T to G substitution at nucleotide position 4202. The isoleucine at codon 1401 is replaced by serine, an amino acid with dissimilar properties. This amino acid position is highly conserved in available vertebrate species. In addition, in silico predictors for this gene do not accurately predict pathogenicity. Since supporting evidence is limited at this time, the clinical significance of this alteration remains unclear.

NM_000038.6(APC):c.4202T>G (p.Ile1401Ser)

Gene: APC (APC regulator of Wnt signaling pathway; plus strand). Cytogenetic location: 5q22.2.
Variant type: single nucleotide variant.
Coding change: c.4202T>G on transcript NM_000038.6 (MANE Select); coding-DNA position 4202, T replaced by G.
Protein change: p.Ile1401Ser; replaces isoleucine 1401 with serine.
Molecular consequence: missense variant.
Genome position (GRCh38, 1-based): chr5:112,839,796, T>G. VCF-style: chr5-112839796-T-G. GRCh37 (hg19) VCF-style: chr5-112175493-T-G.
Other names: c.4202T>G, p.Ile1401Ser (NM_001127510.3, NM_001354895.2, NM_001407450.1); c.4148T>G, p.Ile1383Ser (NM_001127511.3); c.4256T>G, p.Ile1419Ser (NM_001354896.2, NM_001407447.1, NM_001407448.1 and 1 more transcripts); c.4232T>G, p.Ile1411Ser (NM_001354897.2); c.4127T>G, p.Ile1376Ser (NM_001354898.2); c.4118T>G, p.Ile1373Ser (NM_001354899.2); c.4079T>G, p.Ile1360Ser (NM_001354900.2); c.4025T>G, p.Ile1342Ser (NM_001354901.2, NM_001407453.1); and 11 more; short protein forms I1300S, I1310S, I1373S, I1411S, I1118S, I1241S, I1275S, I1383S.
Identifiers: ClinVar variation 1738671 (VCV001738671.3), dbSNP rs776278371, ClinGen allele CA16030541.